The following is an entry in ClinVar:

ClinVar aggregate classification (germline): Conflicting classifications of pathogenicity. Review status: criteria provided, conflicting classifications (1 of 4 stars). 2 submissions from 2 submitters: Pathogenic (1); Uncertain significance (1). Last evaluated 2026-10-06.

Conditions:
Duchenne muscular dystrophy (DMD). Also called: Duchenne Muscular Dystrophy (DMD); MUSCULAR DYSTROPHY, PSEUDOHYPERTROPHIC PROGRESSIVE, DUCHENNE TYPE. Identifiers: Orphanet 98896, MedGen C0013264, MONDO:0010679, OMIM 310200.

Submissions (2):

Laboratorio de Biologia Molecular - Genetica, Hospital de Pediatria Garrahan
Classification: Pathogenic for Duchenne muscular dystrophy. Last evaluated: 2026-10-06. Review status: criteria provided, single submitter. Criteria: ACMG Guidelines, 2015. Collection method: clinical testing. Allele origin: de novo. Inheritance: X-linked recessive inheritance. Affected: yes. Observed: 1 variant allele, 1 hemizygote.
Comment: Analysis of muscle-derived RNA by RT-PCR and Sanger sequencing revealed the inclusion of a 259-nucleotide from intron 22, leading to a premature termination codon. The variant was subsequently confirmed in genomic DNA. It has been previously reported in association with the same pseudoexon activation by Savarese et al. 2020 (PMID: 32597815). Based on the clinical and transcript-level evidence, this variant was classified as pathogenic (ACMG: PVS1, PM2, PP4).

Women's Health and Genetics/Laboratory Corporation of America, LabCorp
Classification: Uncertain significance. Last evaluated: 2024-03-19. Review status: criteria provided, single submitter. Criteria: LabCorp Variant Classification Summary - May 2015. Collection method: clinical testing. Allele origin: germline.
Comment: Variant summary: DMD c.2949+964G>A is located at a position not widely known to affect splicing. Consensus agreement among computation tools predict no significant impact on normal splicing. However, at least one publication reports experimental evidence that this variant affects mRNA splicing, resulting in the incorporation of intronic material (Savarese_2020). The variant was absent in 21826 control chromosomes (gnomAD). These data do not allow any strong conclusion about variant significance. The following publication has been ascertained in the context of this evaluation (PMID: 32597815). No submitters have cited clinical-significance assessments for this variant to ClinVar. Based on the evidence outlined above, the variant was classified as VUS-possibly pathogenic.

Literature cited by the submitters: PubMed 32597815 (cited by Laboratorio de Biologia Molecular - Genetica, Hospital de Pediatria Garrahan and Women's Health and Genetics/Laboratory Corporation of America, LabCorp).

NM_004006.3(DMD):c.2949+964G>A

Gene: DMD (dystrophin; minus strand). Cytogenetic location: Xp21.1.
Variant type: single nucleotide variant.
Coding change: c.2949+964G>A on transcript NM_004006.3 (MANE Select); 964 bases into the intron after coding-DNA position 2949, G replaced by A.
Molecular consequence: intron variant.
Genome position (GRCh38, 1-based): chrX:32,471,200, C>T on the plus strand (G>A on the coding strand, the complement: DMD is on the minus strand). VCF-style: chrX-32471200-C-T. GRCh37 (hg19) VCF-style: chrX-32489317-C-T.
Other names: c.2925+964G>A (NM_000109.4); c.2937+964G>A (NM_004009.3); c.2580+964G>A (NM_004010.3).
Identifiers: ClinVar variation 3233865 (VCV003233865.3), dbSNP rs2040596697, ClinGen allele CA2695232841.